The following is an entry in ClinVar:

ClinVar aggregate classification (germline): Uncertain significance (1 of 4 stars; one submission).

Submission:

Labcorp Genetics (formerly Invitae), Labcorp
Classification: Uncertain significance. Last evaluated: 2022-07-23. Review status: criteria provided, single submitter. Criteria: Invitae Variant Classification Sherloc (09022015). Collection method: clinical testing. Allele origin: germline.
Comment: In summary, the available evidence is currently insufficient to determine the role of this variant in disease. Therefore, it has been classified as a Variant of Uncertain Significance. This sequence change replaces histidine, which is basic and polar, with asparagine, which is neutral and polar, at codon 228 of the PDGFB protein (p.His228Asn). This variant is not present in population databases (gnomAD no frequency). This variant has not been reported in the literature in individuals affected with PDGFB-related conditions. Algorithms developed to predict the effect of missense changes on protein structure and function are either unavailable or do not agree on the potential impact of this missense change (SIFT: "Not Available"; PolyPhen-2: "Probably Damaging"; Align-GVGD: "Not Available").

NM_002608.4(PDGFB):c.682C>A (p.His228Asn)

Gene: PDGFB (platelet derived growth factor subunit B; minus strand). Cytogenetic location: 22q13.1.
Variant type: single nucleotide variant.
Coding change: c.682C>A on transcript NM_002608.4 (MANE Select); coding-DNA position 682, C replaced by A.
Protein change: p.His228Asn; replaces histidine 228 with asparagine.
Molecular consequence: missense variant.
Genome position (GRCh38, 1-based): chr22:39,225,767, G>T on the plus strand (C>A on the coding strand, the complement: PDGFB is on the minus strand). VCF-style: chr22-39225767-G-T. GRCh37 (hg19) VCF-style: chr22-39621772-G-T.
Other names: c.637C>A, p.His213Asn (NM_033016.3); short protein forms H213N, H228N.
Identifiers: ClinVar variation 1975696 (VCV001975696.5), dbSNP rs952731348, ClinGen allele CA324357191.